The following is an entry in ClinVar:

NM_003482.4(KMT2D):c.4741+44G>A

Gene: KMT2D (lysine methyltransferase 2D; minus strand). Cytogenetic location: 12q13.12.
Variant type: single nucleotide variant.
Coding change: c.4741+44G>A on transcript NM_003482.4 (MANE Select); 44 bases into the intron after coding-DNA position 4741, G replaced by A.
Molecular consequence: intron variant.
Genome position (GRCh38, 1-based): chr12:49,045,876, C>T on the plus strand (G>A on the coding strand, the complement: KMT2D is on the minus strand). VCF-style: chr12-49045876-C-T. GRCh37 (hg19) VCF-style: chr12-49439659-C-T.
Identifiers: ClinVar variation 1239742 (VCV001239742.6), dbSNP rs833818, ClinGen allele CA6547729.

ClinVar aggregate classification (germline): Benign. Review status: criteria provided, multiple submitters, no conflicts (2 of 4 stars). 3 submissions from 3 submitters: Benign (3). Last evaluated 2024-01-24.

Allele frequency attached by ClinVar (database versions not stated): 1000 Genomes Project 30x 0.97392; TOPMed 0.97410; 1000 Genomes Project 0.97544; gnomAD 0.97564 and 0.97733; ESP Exome Variant Server 0.97853; ExAC 0.99325; gnomAD exomes 0.99443 and 0.99769.
gnomAD v4.1: 1,443,098 of 1,449,698 alleles (100%); highest among the groups gnomAD compares: East Asian, 100%; 718,479 homozygotes.

Submissions (3):

Unidad de Genómica Garrahan, Hospital de Pediatría Garrahan
Classification: Benign. Last evaluated: 2024-01-24. Review status: criteria provided, single submitter. Criteria: ACMG Guidelines, 2015. Collection method: clinical testing. Allele origin: germline. Affected: no. Observed: 95 variant alleles.
Comment: This variant is classified as Benign based on local population frequency. This variant was detected in 100% of patients studied by a panel of primary immunodeficiencies. Number of patients: 95. Only high quality variants are reported.

GeneDx
Classification: Benign. Last evaluated: 2015-03-03. Review status: criteria provided, single submitter. Criteria: GeneDx Variant Classification Process June 2021. Collection method: clinical testing. Allele origin: germline. Affected: yes.

Breakthrough Genomics
Classification: Benign. Review status: criteria provided, single submitter. Criteria: ACMG Guidelines, 2015. Collection method: not provided. Allele origin: germline. Inheritance: Autosomal dominant inheritance. Affected: yes.